The following is an entry in ClinVar:

Conditions:
Breast-ovarian cancer, familial, susceptibility to, 1 (BROVCA1). Also called: BRCA1 Hereditary Breast and Ovarian Cancer; OVARIAN CANCER, SUSCEPTIBILITY TO. Identifiers: Orphanet 145, MedGen C2676676, MONDO:0011450, OMIM 604370. Disease mechanism: loss of function.

Submission:

Brotman Baty Institute, University of Washington
No classification provided (evidence only). Condition: Breast-ovarian cancer, familial 1. Review status: no classification provided. Collection method: in vitro. Allele origin: not applicable. Functional consequence: functionally_normal.
ClinVar note: "not provided" was previously submitted as the classification for the variant. However, the classification appeared to be based only on an observation of functional data so it was converted to no classification on 2025-07-30.

NM_007294.4(BRCA1):c.5178A>G (p.Arg1726=)

Gene: BRCA1 (BRCA1 DNA repair associated; minus strand). Cytogenetic location: 17q21.31.
Variant type: single nucleotide variant.
Coding change: c.5178A>G on transcript NM_007294.4 (MANE Select); coding-DNA position 5178, A replaced by G.
Protein change: p.Arg1726=; no amino-acid change (arginine 1726 retained).
Molecular consequence: synonymous variant.
Genome position (GRCh38, 1-based): chr17:43,063,348, T>C on the plus strand (A>G on the coding strand, the complement: BRCA1 is on the minus strand). VCF-style: chr17-43063348-T-C. GRCh37 (hg19) VCF-style: chr17-41215365-T-C.
Other names: c.4965A>G, p.Arg1655= (NM_001407571.1, NM_001407894.1, NM_001407895.1 and 12 more transcripts); c.5244A>G, p.Arg1748= (NM_001407581.1, NM_001407582.1); c.5241A>G, p.Arg1747= (NM_001407583.1, NM_001407585.1, NM_001407587.1 and 1 more transcripts); c.5238A>G, p.Arg1746= (NM_001407590.1, NM_001407591.1); c.5178A>G, p.Arg1726= (NM_001407593.1, NM_001407594.1, NM_001407596.1 and 7 more transcripts); c.5175A>G, p.Arg1725= (NM_001407610.1, NM_001407611.1, NM_001407612.1 and 17 more transcripts); c.5172A>G, p.Arg1724= (NM_001407627.1, NM_001407628.1, NM_001407629.1 and 14 more transcripts); c.5169A>G, p.Arg1723= (NM_001407644.1, NM_001407645.1); and 72 more.
Identifiers: ClinVar variation 865084 (VCV000865084.3), dbSNP rs2051860476, ClinGen allele CA500146047.